The following is an entry in ClinVar:

NM_014874.4(MFN2):c.975C>T (p.Gly325=)

Gene: MFN2 (mitofusin 2; plus strand). Cytogenetic location: 1p36.22.
Variant type: single nucleotide variant.
Coding change: c.975C>T on transcript NM_014874.4 (MANE Select); coding-DNA position 975, C replaced by T.
Protein change: p.Gly325=; no amino-acid change (glycine 325 retained).
Molecular consequence: synonymous variant.
Genome position (GRCh38, 1-based): chr1:12,001,773, C>T. VCF-style: chr1-12001773-C-T. GRCh37 (hg19) VCF-style: chr1-12061830-C-T.
Other names: c.975C>T, p.Gly325= (NM_001127660.2).
Identifiers: ClinVar variation 193715 (VCV000193715.22), dbSNP rs141475476, ClinGen allele CA200743.

ClinVar aggregate classification (germline): Benign/Likely benign. Review status: criteria provided, multiple submitters, no conflicts (2 of 4 stars). 8 submissions from 7 submitters: Benign (7); Likely benign (1). Last evaluated 2026-01-21.

Conditions:
Charcot-Marie-Tooth disease type 2. Also called: Charcot-Marie-Tooth type 2. Identifiers: Orphanet 64746, MedGen C0270914, MONDO:0018993.
Hereditary motor and sensory neuropathy with optic atrophy. Also called: CHARCOT-MARIE-TOOTH DISEASE, TYPE 6; PERIPHERAL NEUROPATHY AND OPTIC ATROPHY. Identifiers: Orphanet 90120, MedGen C0393807, MONDO:0019551.

Allele frequency attached by ClinVar (database versions not stated): gnomAD exomes 0.00030 and 0.00072; ExAC 0.00094; 1000 Genomes Project 30x 0.00219; 1000 Genomes Project 0.00240; ESP Exome Variant Server 0.00308; gnomAD 0.00324 and 0.00357; TOPMed 0.00391.
gnomAD v4.1: 956 of 1,614,106 alleles (0.059%); highest among the groups gnomAD compares: African/African-American, 1.1%; 5 homozygotes.

Submissions (8):

Labcorp Genetics (formerly Invitae), Labcorp
Classification: Benign for Charcot-Marie-Tooth disease type 2. Last evaluated: 2026-01-21. Review status: criteria provided, single submitter. Criteria: Invitae Variant Classification Sherloc (09022015). Collection method: clinical testing. Allele origin: germline.

Athena Diagnostics
Classification: Benign. Last evaluated: 2025-07-07. Review status: criteria provided, single submitter. Criteria: Athena Diagnostics Criteria. Collection method: clinical testing. Allele origin: unknown.
Comment: The frequency of this variant in the general population is higher than would generally be expected for pathogenic variants in this gene.

Blueprint Genetics
Classification: Likely benign. Last evaluated: 2024-11-23. Review status: criteria provided, single submitter. Criteria: ACMG Guidelines, 2015. Collection method: clinical testing. Allele origin: germline.

Illumina Laboratory Services, Illumina
Classification: Benign for Charcot-Marie-Tooth disease, type 2. Last evaluated: 2018-01-13. Review status: criteria provided, single submitter. Criteria: ICSL Variant Classification Criteria 13 December 2019. Collection method: clinical testing. Allele origin: germline.
Comment: This variant was observed in the ICSL laboratory as part of a predisposition screen in an ostensibly healthy population. It had not been previously curated by ICSL or reported in the Human Gene Mutation Database (HGMD: prior to June 1st, 2018), and was therefore a candidate for classification through an automated scoring system. Utilizing variant allele frequency, disease prevalence and penetrance estimates, and inheritance mode, an automated score was calculated to assess if this variant is too frequent to cause the disease. Based on the score and internal cut-off values, a variant classified as benign is not then subjected to further curation. The score for this variant resulted in a classification of benign for this disease.

Illumina Laboratory Services, Illumina
Classification: Benign for Neuropathy, hereditary motor and sensory, type 6A. Last evaluated: 2018-01-13. Review status: criteria provided, single submitter. Criteria: ICSL Variant Classification Criteria 13 December 2019. Collection method: clinical testing. Allele origin: germline.
Comment: the same text as in the submission from Illumina Laboratory Services, Illumina above.

GeneDx
Classification: Benign. Last evaluated: 2015-09-09. Review status: criteria provided, single submitter. Criteria: GeneDx Variant Classification (06012015). Collection method: clinical testing. Allele origin: germline. Affected: yes.
Comment: This variant is considered likely benign or benign based on one or more of the following criteria: it is a conservative change, it occurs at a poorly conserved position in the protein, it is predicted to be benign by multiple in silico algorithms, and/or has population frequency not consistent with disease.

Eurofins Ntd Llc (ga)
Classification: Benign. Last evaluated: 2014-09-03. Review status: criteria provided, single submitter. Criteria: EGL Classification Definitions 2015. Collection method: clinical testing. Allele origin: germline. Observed: 1 variant allele, 1 heterozygote.

Breakthrough Genomics
Classification: Benign. Review status: criteria provided, single submitter. Criteria: ACMG Guidelines, 2015. Collection method: not provided. Allele origin: germline. Inheritance: Autosomal recessive inheritance. Affected: yes.